The following is an entry in ClinVar:

ClinVar aggregate classification (germline): Pathogenic/Likely pathogenic. Review status: criteria provided, multiple submitters, no conflicts (2 of 4 stars). 2 submissions from 2 submitters: Pathogenic (1); Likely pathogenic (1). Last evaluated 2024-02-28.

Conditions:
Kabuki syndrome 1 (KABUK1). Also called: KMT2D-Related Kabuki Syndrome. Identifiers: Orphanet 2322, MedGen CN030661, MONDO:0007843, OMIM 147920.

Submissions (2):

GeneDx
Classification: Pathogenic. Last evaluated: 2024-02-28. Review status: criteria provided, single submitter. Criteria: GeneDx Variant Classification Process June 2021. Collection method: clinical testing. Allele origin: germline. Affected: yes.
Comment: Frameshift variant predicted to result in protein truncation or nonsense mediated decay in a gene for which loss of function is a known mechanism of disease; Not observed at significant frequency in large population cohorts (gnomAD); This variant is associated with the following publications: (PMID: 21671394)

Center for Human Genetics, Inc
Classification: Likely pathogenic for Kabuki syndrome 1. Last evaluated: 2016-11-01. Review status: criteria provided, single submitter. Criteria: ACMG Guidelines, 2015. Collection method: clinical testing. Allele origin: germline. Affected: yes.

NM_003482.4(KMT2D):c.702del (p.Pro235fs)

Gene: KMT2D (lysine methyltransferase 2D; minus strand). Cytogenetic location: 12q13.12.
Variant type: Deletion.
Coding change: c.702del on transcript NM_003482.4 (MANE Select); coding-DNA position 702, one base deleted (G; older notation c.702delG).
Protein change: p.Pro235fs; shifts the reading frame from proline 235.
Molecular consequence: frameshift variant.
Genome position (GRCh38, 1-based): chr12:49,053,613, C deleted on the plus strand (G on the coding strand, the reverse complement: KMT2D is on the minus strand); the first of 4 consecutive C bases (chr12:49,053,613-49,053,616); deleting any one gives the same sequence. VCF-style (leftmost placement, unchanged base first): chr12-49053612-GC-G. GRCh37 (hg19) VCF-style: chr12-49447395-GC-G.
Other names: c.702delG (NM_003482.3); c.702del (NM_003482.3); short protein forms P235fs.
Identifiers: ClinVar variation 547399 (VCV000547399.2), dbSNP rs1555198318, ClinGen allele CA658823392.
Genomic context (GRCh38, chr12:49,053,612, plus strand): 5'-AGGCCCCGTGATAGTGATGCCCACAGCTGGTACAGAAGAACAGGTCACACAACTCCCCTG[GC>G]CCCTCACACACTGCACAGCGAGCCTCCTCTGCAGGGGGTAGAGACACCACAGGTCAGCTA-3'